The following is an entry in ClinVar:

NM_001854.4(COL11A1):c.35G>C (p.Arg12Pro)

Gene: COL11A1 (collagen type XI alpha 1 chain; minus strand). Cytogenetic location: 1p21.1.
Variant type: single nucleotide variant.
Coding change: c.35G>C on transcript NM_001854.4 (MANE Select); coding-DNA position 35, G replaced by C.
Protein change: p.Arg12Pro; replaces arginine 12 with proline.
Molecular consequence: missense variant. On other transcripts: non-coding transcript variant (1).
Genome position (GRCh38, 1-based): chr1:103,108,144, C>G on the plus strand (G>C on the coding strand, the complement: COL11A1 is on the minus strand). VCF-style: chr1-103108144-C-G. GRCh37 (hg19) VCF-style: chr1-103573700-C-G.
Other names: c.35G>C, p.Arg12Pro (NM_001190709.2, NM_080629.3, NM_080630.4); short protein forms R12P.
Identifiers: ClinVar variation 291553 (VCV000291553.14), dbSNP rs767496065, ClinGen allele CA10607219.

ClinVar aggregate classification (germline): Uncertain significance. Review status: criteria provided, multiple submitters, no conflicts (2 of 4 stars). 5 submissions from 4 submitters: Uncertain significance (5). Last evaluated 2025-11-20.

Conditions:
Fibrochondrogenesis 1 (FBCG1). Identifiers: Orphanet 2021, MedGen C3278138, MONDO:0009226, OMIM 228520.
Inborn genetic diseases. Identifiers: MedGen C0950123, MeSH D030342.
Stickler syndrome type 2 (STL2). Also called: COL11A1-Related Stickler Syndrome; STICKLER SYNDROME, TYPE II; STICKLER SYNDROME, BEADED VITREOUS TYPE; STICKLER SYNDROME, VITREOUS TYPE 2. Identifiers: Orphanet 828, Orphanet 90654, MedGen C1858084, MONDO:0011493, OMIM 604841.

Submissions (5):

Ambry Genetics
Classification: Uncertain significance for Inborn genetic diseases. Last evaluated: 2025-11-20. Review status: criteria provided, single submitter. Criteria: Ambry Variant Classification Scheme 2023. Collection method: clinical testing. Allele origin: germline.

Labcorp Genetics (formerly Invitae), Labcorp
Classification: Uncertain significance. Last evaluated: 2023-09-06. Review status: criteria provided, single submitter. Criteria: Invitae Variant Classification Sherloc (09022015). Collection method: clinical testing. Allele origin: germline.
Comment: This sequence change replaces arginine, which is basic and polar, with proline, which is neutral and non-polar, at codon 12 of the COL11A1 protein (p.Arg12Pro). This variant is not present in population databases (gnomAD no frequency). In summary, the available evidence is currently insufficient to determine the role of this variant in disease. Therefore, it has been classified as a Variant of Uncertain Significance. Advanced modeling of protein sequence and biophysical properties (such as structural, functional, and spatial information, amino acid conservation, physicochemical variation, residue mobility, and thermodynamic stability) performed at Invitae indicates that this missense variant is not expected to disrupt COL11A1 protein function. ClinVar contains an entry for this variant (Variation ID: 291553). This variant has not been reported in the literature in individuals affected with COL11A1-related conditions.

Blueprint Genetics
Classification: Uncertain significance. Last evaluated: 2021-08-05. Review status: criteria provided, single submitter. Criteria: ACMG Guidelines, 2015. Collection method: clinical testing. Allele origin: germline.

Illumina Laboratory Services, Illumina
Classification: Uncertain significance for Stickler syndrome type 2. Last evaluated: 2018-01-13. Review status: criteria provided, single submitter. Criteria: ICSL Variant Classification Criteria 13 December 2019. Collection method: clinical testing. Allele origin: germline.

Illumina Laboratory Services, Illumina
Classification: Uncertain significance for Fibrochondrogenesis 1. Last evaluated: 2018-01-13. Review status: criteria provided, single submitter. Criteria: ICSL Variant Classification Criteria 13 December 2019. Collection method: clinical testing. Allele origin: germline.